The following is an entry in ClinVar:

ClinVar aggregate classification (germline): Uncertain significance (1 of 4 stars; one submission).

Submission:

Labcorp Genetics (formerly Invitae), Labcorp
Classification: Uncertain significance. Last evaluated: 2023-10-22. Review status: criteria provided, single submitter. Criteria: Invitae Variant Classification Sherloc (09022015). Collection method: clinical testing. Allele origin: germline.
Comment: This sequence change affects codon 71 of the RPL9 mRNA. It is a 'silent' change, meaning that it does not change the encoded amino acid sequence of the RPL9 protein. This variant is not present in population databases (gnomAD no frequency). This variant has not been reported in the literature in individuals affected with RPL9-related conditions. Algorithms developed to predict the effect of sequence changes on RNA splicing suggest that this variant may disrupt the consensus splice site. In summary, the available evidence is currently insufficient to determine the role of this variant in disease. Therefore, it has been classified as a Variant of Uncertain Significance.

NM_000661.5(RPL9):c.211C>A (p.Arg71=)

Gene: RPL9 (ribosomal protein L9; minus strand). Cytogenetic location: 4p14.
Variant type: single nucleotide variant.
Coding change: c.211C>A on transcript NM_000661.5 (MANE Select); coding-DNA position 211, C replaced by A.
Protein change: p.Arg71=; no amino-acid change (arginine 71 retained).
Molecular consequence: synonymous variant.
Genome position (GRCh38, 1-based): chr4:39,457,633, G>T on the plus strand (C>A on the coding strand, the complement: RPL9 is on the minus strand). VCF-style: chr4-39457633-G-T. GRCh37 (hg19) VCF-style: chr4-39459253-G-T.
Other names: c.211C>A, p.Arg71= (NM_001024921.4).
Identifiers: ClinVar variation 2891110 (VCV002891110.3), dbSNP rs1331263882, ClinGen allele CA438944271.